The following is an entry in ClinVar:

NM_000256.3(MYBPC3):c.1174G>A (p.Ala392Thr)

Gene: MYBPC3 (myosin binding protein C3; minus strand). Cytogenetic location: 11p11.2.
Variant type: single nucleotide variant.
Coding change: c.1174G>A on transcript NM_000256.3 (MANE Select); coding-DNA position 1174, G replaced by A.
Protein change: p.Ala392Thr; replaces alanine 392 with threonine.
Molecular consequence: missense variant.
Genome position (GRCh38, 1-based): chr11:47,343,541, C>T on the plus strand (G>A on the coding strand, the complement: MYBPC3 is on the minus strand). VCF-style: chr11-47343541-C-T. GRCh37 (hg19) VCF-style: chr11-47365092-C-T.
Other names: c.1174G>A, p.Ala392Thr (LRG_386t1); short protein forms A392T.
Identifiers: ClinVar variation 619276 (VCV000619276.20), dbSNP rs1019697151, ClinGen allele CA221697618.

ClinVar aggregate classification (germline): Uncertain significance. Review status: criteria provided, multiple submitters, no conflicts (2 of 4 stars). 7 submissions from 7 submitters: Uncertain significance (7). Last evaluated 2026-01-01.

Conditions:
Hypertrophic cardiomyopathy 4. Also called: Familial hypertrophic cardiomyopathy 4. Identifiers: MedGen C1861862, MONDO:0007268, OMIM 115197.
Cardiomyopathy (CMYO). Also called: Cardiomyopathies. Identifiers: Orphanet 167848, MedGen C0878544, MONDO:0004994, HP:0001638. Inheritance: Various modes of inheritance.
Hypertrophic cardiomyopathy. Also called: HYPERTROPHIC MYOCARDIOPATHY. Identifiers: Orphanet 217569, MedGen C0007194, MeSH D002312, MONDO:0005045, HP:0001639.

Allele frequency attached by ClinVar (database versions not stated): gnomAD exomes below 0.00001; gnomAD 0.00001.

Submissions (7):

CeGaT Center for Human Genetics Tuebingen
Classification: Uncertain significance. Last evaluated: 2026-01-01. Review status: criteria provided, single submitter. Criteria: CeGaT Center For Human Genetics Tuebingen Variant Classification Criteria Version 2. Collection method: clinical testing. Allele origin: germline. Affected: yes. Observed: 1 variant allele.
Comment: MYBPC3: PM2:Supporting, BP4

Genomic Medicine Center of Excellence, King Faisal Specialist Hospital and Research Centre
Classification: Uncertain significance for Hypertrophic cardiomyopathy 4. Last evaluated: 2025-09-10. Review status: criteria provided, single submitter. Criteria: ACMG Guidelines, 2015. Collection method: clinical testing. Allele origin: germline.

Women's Health and Genetics/Laboratory Corporation of America, LabCorp
Classification: Uncertain significance. Last evaluated: 2024-11-15. Review status: criteria provided, single submitter. Criteria: LabCorp Variant Classification Summary - May 2015. Collection method: clinical testing. Allele origin: germline.
Comment: Variant summary: MYBPC3 c.1174G>A (p.Ala392Thr) results in a non-conservative amino acid change located in the Domain C2 of the encoded protein sequence. Three of five in-silico tools predict a damaging effect of the variant on protein function. The variant allele was found at a frequency of 4.1e-06 in 243012 control chromosomes (gnomAD). The available data on variant occurrences in the general population are insufficient to allow any conclusion about variant significance. c.1174G>A has been reported in the literature in an individuals affected with Hypertrophic or Dilated Cardiomyopathy (Robyns_2020, Rani_2023). These reports do not provide unequivocal conclusions about association of the variant with Hypertrophic Cardiomyopathy. To our knowledge, no experimental evidence demonstrating an impact on protein function has been reported. The following publications have been ascertained in the context of this evaluation (PMID: 31513939, 37750083). ClinVar contains an entry for this variant (Variation ID: 619276). Based on the evidence outlined above, the variant was classified as uncertain significance.

Labcorp Genetics (formerly Invitae), Labcorp
Classification: Uncertain significance for Hypertrophic cardiomyopathy. Last evaluated: 2023-10-06. Review status: criteria provided, single submitter. Criteria: Invitae Variant Classification Sherloc (09022015). Collection method: clinical testing. Allele origin: germline.
Comment: This sequence change replaces alanine, which is neutral and non-polar, with threonine, which is neutral and polar, at codon 392 of the MYBPC3 protein (p.Ala392Thr). This variant is present in population databases (no rsID available, gnomAD 0.005%). This missense change has been observed in individual(s) with clinical features of hypertrophic cardiomyopathy (PMID: 31513939; Invitae). ClinVar contains an entry for this variant (Variation ID: 619276). An algorithm developed to predict the effect of missense changes on protein structure and function (PolyPhen-2) suggests that this variant is likely to be disruptive. In summary, the available evidence is currently insufficient to determine the role of this variant in disease. Therefore, it has been classified as a Variant of Uncertain Significance.

All of Us Research Program, National Institutes of Health
Classification: Uncertain significance for Hypertrophic cardiomyopathy. Last evaluated: 2023-05-04. Review status: criteria provided, single submitter. Criteria: ACMG Guidelines, 2015. Collection method: clinical testing. Allele origin: germline. Inheritance: Autosomal dominant inheritance. Observed: 1 variant allele, 1 heterozygote.
Comment: This missense variant replaces alanine with threonine at codon 392 of the MYBPC3 protein. Computational prediction suggests that this variant may not impact protein structure and function (internally defined REVEL score threshold <= 0.5, PMID: 27666373). To our knowledge, functional studies have not been reported for this variant. This variant has not been reported in individuals affected with cardiovascular disorders in the literature. This variant has been identified in 2/274360 chromosomes in the general population by the Genome Aggregation Database (gnomAD). The available evidence is insufficient to determine the role of this variant in disease conclusively. Therefore, this variant is classified as a Variant of Uncertain Significance.

This study involves interpretation of variants in research participants for the purpose of population health screening. Participant phenotype was not available at the time of variant classification. Additional details can be found in publication PMID: 35346344, PMCID: PMC8962531

Color Diagnostics, LLC DBA Color Health
Classification: Uncertain significance for Cardiomyopathy. Last evaluated: 2023-03-16. Review status: criteria provided, single submitter. Criteria: ACMG Guidelines, 2015. Collection method: clinical testing. Allele origin: germline.
Comment: This missense variant replaces alanine with threonine at codon 392 of the MYBPC3 protein. Computational prediction suggests that this variant may not impact protein structure and function (internally defined REVEL score threshold <= 0.5, PMID: 27666373). To our knowledge, functional studies have not been reported for this variant. This variant has been reported in an individual affected with hypertrophic cardiomyopathy (PMID: 31513939). This variant has been identified in 2/274360 chromosomes in the general population by the Genome Aggregation Database (gnomAD). The available evidence is insufficient to determine the role of this variant in disease conclusively. Therefore, this variant is classified as a Variant of Uncertain Significance.

Center for Human Genetics, University of Leuven
Classification: Uncertain significance for Hypertrophic cardiomyopathy. Last evaluated: 2018-10-31. Review status: criteria provided, single submitter. Criteria: ACMG Guidelines, 2015. Collection method: clinical testing. Allele origin: germline. Affected: yes.

Literature cited by the submitters: PubMed 31513939 (cited by 3 submitters); PubMed 37750083 (cited by Women's Health and Genetics/Laboratory Corporation of America, LabCorp).